The following is an entry in ClinVar:

ClinVar aggregate classification (germline): Conflicting classifications of pathogenicity. Review status: criteria provided, conflicting classifications (1 of 4 stars). 3 submissions from 3 submitters: Uncertain significance (1); Likely benign (1). 1 of the submissions does not count toward it. Last evaluated 2026-07-01.

Conditions:
ZFHX4-related disorder. Also called: ZFHX4-related condition.

Allele frequency attached by ClinVar (database versions not stated): 1000 Genomes Project 30x 0.00016; ESP Exome Variant Server 0.00017.
gnomAD v4.1: 81 of 1,554,644 alleles (0.0052%); highest among the groups gnomAD compares: African/African-American, 0.092%; no homozygotes.

Submissions (3):

CeGaT Center for Human Genetics Tuebingen
Classification: Likely benign. Last evaluated: 2026-07-01. Review status: criteria provided, single submitter. Criteria: CeGaT Center For Human Genetics Tuebingen Variant Classification Criteria Version 2. Collection method: clinical testing. Allele origin: germline. Affected: yes. Observed: 1 variant allele.
Comment: ZFHX4: BP4, BS2

Ambry Genetics
Classification: Uncertain significance. Last evaluated: 2022-11-17. Review status: criteria provided, single submitter. Criteria: Ambry Variant Classification Scheme 2023. Collection method: clinical testing. Allele origin: germline.

PreventionGenetics, part of Exact Sciences
Classification: Likely benign for ZFHX4-related condition. Last evaluated: 2022-02-11. Review status: no assertion criteria provided. Collection method: clinical testing. Allele origin: germline. Not counted in ClinVar's aggregate classification.
Comment: This variant is classified as likely benign based on ACMG/AMP sequence variant interpretation guidelines (Richards et al. 2015 PMID: 25741868, with internal and published modifications).

NM_024721.5(ZFHX4):c.3445G>A (p.Glu1149Lys)

Gene: ZFHX4 (zinc finger homeobox 4; plus strand). Cytogenetic location: 8q21.13.
Variant type: single nucleotide variant.
Coding change: c.3445G>A on transcript NM_024721.5 (MANE Select); coding-DNA position 3445, G replaced by A.
Protein change: p.Glu1149Lys; replaces glutamic acid 1149 with lysine.
Molecular consequence: missense variant.
Genome position (GRCh38, 1-based): chr8:76,842,705, G>A. VCF-style: chr8-76842705-G-A. GRCh37 (hg19) VCF-style: chr8-77754941-G-A.
Other names: c.3367G>A, p.Glu1123Lys (NM_001410934.1); short protein forms E1123K, E1149K.
Identifiers: ClinVar variation 2375459 (VCV002375459.5), dbSNP rs144576583, ClinGen allele CA4787283.